The following is an entry in ClinVar:

ClinVar aggregate classification (germline): Uncertain significance (1 of 4 stars; one submission).

Conditions:
Cardiovascular phenotype. Identifiers: MedGen CN230736.

Submission:

Ambry Genetics
Classification: Uncertain significance for Cardiovascular phenotype. Last evaluated: 2025-02-04. Review status: criteria provided, single submitter. Criteria: Ambry Variant Classification Scheme 2023. Collection method: clinical testing. Allele origin: germline.
Comment: The p.M1510V variant (also known as c.4528A>G), located in coding exon 38 of the ANK2 gene, results from an A to G substitution at nucleotide position 4528. The methionine at codon 1510 is replaced by valine, an amino acid with highly similar properties. This amino acid position is conserved. In addition, the in silico prediction for this alteration is inconclusive. Based on the available evidence, the clinical significance of this variant remains unclear.

NM_001148.6(ANK2):c.4528A>G (p.Met1510Val)

Gene: ANK2 (ankyrin 2; plus strand). Cytogenetic location: 4q26.
Variant type: single nucleotide variant.
Coding change: c.4528A>G on transcript NM_001148.6 (MANE Select); coding-DNA position 4528, A replaced by G.
Protein change: p.Met1510Val; replaces methionine 1510 with valine.
Molecular consequence: missense variant. On other transcripts: intron variant (68).
Genome position (GRCh38, 1-based): chr4:113,353,146, A>G. VCF-style: chr4-113353146-A-G. GRCh37 (hg19) VCF-style: chr4-114274302-A-G.
Other names: c.4294A>G, p.Met1432Val (NM_001386142.1); c.928A>G, p.Met310Val (NM_001386166.1); c.4669A>G, p.Met1557Val (NM_001386174.1); c.4645A>G, p.Met1549Val (NM_001386175.1); c.4411+2897A>G (NM_001386186.2, NM_001386148.2); c.4213+2897A>G (NM_001354269.3); c.4291+2897A>G (NM_001386187.2); c.4252+2897A>G (NM_001386147.1); and 35 more; short protein forms M1432V, M1549V, M1510V, M1557V, M310V.
Identifiers: ClinVar variation 3864182 (VCV003864182.1).